The following is an entry in ClinVar:

Conditions:
Breast-ovarian cancer, familial, susceptibility to, 1 (BROVCA1). Also called: BRCA1 Hereditary Breast and Ovarian Cancer; OVARIAN CANCER, SUSCEPTIBILITY TO. Identifiers: Orphanet 145, MedGen C2676676, MONDO:0011450, OMIM 604370. Disease mechanism: loss of function.

Submission:

Brotman Baty Institute, University of Washington
No classification provided (evidence only). Condition: Breast-ovarian cancer, familial 1. Review status: no classification provided. Collection method: in vitro. Allele origin: not applicable. Functional consequence: functionally_normal.
ClinVar note: "not provided" was previously submitted as the classification for the variant. However, the classification appeared to be based only on an observation of functional data so it was converted to no classification on 2025-07-30.

NM_007294.4(BRCA1):c.88T>G (p.Leu30Val)

Gene: BRCA1 (BRCA1 DNA repair associated; minus strand). Cytogenetic location: 17q21.31.
Variant type: single nucleotide variant.
Coding change: c.88T>G on transcript NM_007294.4 (MANE Select); coding-DNA position 88, T replaced by G.
Protein change: p.Leu30Val; replaces leucine 30 with valine.
Molecular consequence: missense variant. On other transcripts: non-coding transcript variant (1), intron variant (1).
Genome position (GRCh38, 1-based): chr17:43,115,772, A>C on the plus strand (T>G on the coding strand, the complement: BRCA1 is on the minus strand). VCF-style: chr17-43115772-A-C. GRCh37 (hg19) VCF-style: chr17-41267789-A-C.
Other names: c.-101T>G (NM_001407571.1, NM_001407853.1, NM_001407879.1 and 52 more transcripts); c.88T>G, p.Leu30Val (NM_001407581.1, NM_001407582.1, NM_001407583.1 and 192 more transcripts); c.-170T>G (NM_001407694.1, NM_001407696.1, NM_001407724.1 and 13 more transcripts); c.-174T>G (NM_001407695.1, NM_001408465.1); c.-54T>G (NM_001407697.1, NM_001407725.1, NM_001407728.1 and 47 more transcripts); c.-50T>G (NM_001407841.1); c.-217T>G (NM_001407889.1, NM_001407900.1, NM_001408492.1); c.-216T>G (NM_001407960.1, NM_001407962.1, NM_001408510.1 and 1 more transcripts); and 2 more; short protein forms L30V.
Identifiers: ClinVar variation 865101 (VCV000865101.3), dbSNP rs2055260993, ClinGen allele CA10601978.